The following is an entry in ClinVar:

NM_201384.3(PLEC):c.1828G>A (p.Ala610Thr)

Gene: PLEC (plectin; minus strand). Cytogenetic location: 8q24.3.
Variant type: single nucleotide variant.
Coding change: c.1828G>A on transcript NM_201384.3 (MANE Select); coding-DNA position 1828, G replaced by A.
Protein change: p.Ala610Thr; replaces alanine 610 with threonine.
Molecular consequence: missense variant.
Genome position (GRCh38, 1-based): chr8:143,932,549, C>T on the plus strand (G>A on the coding strand, the complement: PLEC is on the minus strand). VCF-style: chr8-143932549-C-T. GRCh37 (hg19) VCF-style: chr8-145006717-C-T.
Other names: c.1909G>A, p.Ala637Thr (NM_000445.5); c.1786G>A, p.Ala596Thr (NM_201378.4); c.1762G>A, p.Ala588Thr (NM_201379.3); c.2239G>A, p.Ala747Thr (NM_201380.4); c.1732G>A, p.Ala578Thr (NM_201381.3); c.1828G>A, p.Ala610Thr (NM_201382.4); c.1840G>A, p.Ala614Thr (NM_201383.3); short protein forms A596T, A637T, A578T, A614T, A747T, A588T, A610T.
Identifiers: ClinVar variation 1476082 (VCV001476082.8), dbSNP rs782696282, ClinGen allele CA372578666.
Genomic context (GRCh38, chr8:143,932,549, plus strand): 5'-TTAGCTCCTTAGTGGCGGCTGCCACAAAGCTGTGCAAGCTCTCCAGGGACCTGAGGCGGG[C>T]CTTGGAGGAGTTCTGTGGGCAGGAGGGTGCGTGTCAGCAGGCCGCGGGCTACCCACCTCC-3'
Protein context (NP_958786.1, residues 600-620): QYAKLLNSSK[Ala610Thr]RLRSLESLHS

ClinVar aggregate classification (germline): Uncertain significance (1 of 4 stars; one submission).

Conditions:
Autosomal recessive limb-girdle muscular dystrophy type 2Q (LGMDR17). Also called: MUSCULAR DYSTROPHY, LIMB-GIRDLE, AUTOSOMAL RECESSIVE 17. Identifiers: Orphanet 254361, MedGen C3150989, MONDO:0013390, OMIM 613723.
Epidermolysis bullosa simplex 5B, with muscular dystrophy (EBS5B). Also called: EPIDERMOLYSIS BULLOSA SIMPLEX AND LIMB-GIRDLE MUSCULAR DYSTROPHY; Epidermolysis bullosa simplex with muscular dystrophy. Identifiers: Orphanet 257, MedGen C2931072, MONDO:0009181, OMIM 226670.
Epidermolysis bullosa simplex, Ogna type (EBS5A). Also called: Pidermolysis bullosa simplex 5A, Ogna type; EPIDERMOLYSIS BULLOSA SIMPLEX 5A, OGNA TYPE. Identifiers: Orphanet 79401, MedGen C0432317, MONDO:0007555, OMIM 131950.
Epidermolysis bullosa simplex with nail dystrophy (EBS5D). Identifiers: MedGen C4225309, MONDO:0014661, OMIM 616487.
Epidermolysis bullosa simplex 5C, with pyloric atresia (EBS5C). Also called: Epidermolysis bullosa simplex with pyloric atresia; PLEC1-Related Epidermolysis Bullosa with Pyloric Atresia; PLEC-Related Epidermolysis Bullosa with Pyloric Atresia. Identifiers: Orphanet 158684, MedGen C2677349, MONDO:0012807, OMIM 612138.

gnomAD v4.1: 1 of 1,612,526 alleles (0.000062%); highest among the groups gnomAD compares: Non-Finnish European, 0.000085%; no homozygotes.

Submission:

Labcorp Genetics (formerly Invitae), Labcorp
Classification: Uncertain significance for Autosomal recessive limb-girdle muscular dystrophy type 2Q; Epidermolysis bullosa simplex, Ogna type; Epidermolysis bullosa simplex with nail dystrophy; Epidermolysis bullosa simplex 5C, with pyloric atresia; Epidermolysis bullosa simplex 5B, with muscular dystrophy. Last evaluated: 2022-03-08. Review status: criteria provided, single submitter. Criteria: Invitae Variant Classification Sherloc (09022015). Collection method: clinical testing. Allele origin: germline.
Comment: In summary, the available evidence is currently insufficient to determine the role of this variant in disease. Therefore, it has been classified as a Variant of Uncertain Significance. Algorithms developed to predict the effect of missense changes on protein structure and function are either unavailable or do not agree on the potential impact of this missense change (SIFT: "Tolerated"; PolyPhen-2: "Not Available"; Align-GVGD: "Class C0"). This variant has not been reported in the literature in individuals affected with PLEC-related conditions. This variant is not present in population databases (gnomAD no frequency). This sequence change replaces alanine, which is neutral and non-polar, with threonine, which is neutral and polar, at codon 637 of the PLEC protein (p.Ala637Thr).